The following is an entry in ClinVar:

ClinVar aggregate classification (germline): Uncertain significance (1 of 4 stars; one submission).

Conditions:
Familial cancer of breast. Also called: hereditary breast carcinoma; BREAST CANCER, FAMILIAL; Hereditary breast cancer. Identifiers: Orphanet 227535, MedGen C0346153, MONDO:0016419, OMIM 114480. Disease mechanism: loss of function.

Submission:

Labcorp Genetics (formerly Invitae), Labcorp
Classification: Uncertain significance for Familial cancer of breast. Last evaluated: 2023-11-17. Review status: criteria provided, single submitter. Criteria: Invitae Variant Classification Sherloc (09022015). Collection method: clinical testing. Allele origin: germline.
Comment: This sequence change replaces leucine, which is neutral and non-polar, with phenylalanine, which is neutral and non-polar, at codon 703 of the PALB2 protein (p.Leu703Phe). This variant is not present in population databases (gnomAD no frequency). This variant has not been reported in the literature in individuals affected with PALB2-related conditions. This missense change has been observed to co-occur in individuals with a different variant in PALB2 that has been determined to be pathogenic (Invitae), but the significance of this finding is unclear. ClinVar contains an entry for this variant (Variation ID: 844093). Advanced modeling of protein sequence and biophysical properties (such as structural, functional, and spatial information, amino acid conservation, physicochemical variation, residue mobility, and thermodynamic stability) performed at Invitae indicates that this missense variant is not expected to disrupt PALB2 protein function with a negative predictive value of 80%. In summary, the available evidence is currently insufficient to determine the role of this variant in disease. Therefore, it has been classified as a Variant of Uncertain Significance.

NM_024675.4(PALB2):c.2109A>C (p.Leu703Phe)

Gene: PALB2 (partner and localizer of BRCA2; minus strand). Cytogenetic location: 16p12.2.
Variant type: single nucleotide variant.
Coding change: c.2109A>C on transcript NM_024675.4 (MANE Select); coding-DNA position 2109, A replaced by C.
Protein change: p.Leu703Phe; replaces leucine 703 with phenylalanine.
Molecular consequence: missense variant.
Genome position (GRCh38, 1-based): chr16:23,630,045, T>G on the plus strand (A>C on the coding strand, the complement: PALB2 is on the minus strand). VCF-style: chr16-23630045-T-G. GRCh37 (hg19) VCF-style: chr16-23641366-T-G.
Other names: short protein forms L703F.
Identifiers: ClinVar variation 844093 (VCV000844093.10), dbSNP rs1966860376, ClinGen allele CA395125780.